The following is an entry in ClinVar:

ClinVar aggregate classification (germline): Uncertain significance (1 of 4 stars; one submission).

Allele frequency attached by ClinVar (database versions not stated): ExAC 0.00001.
gnomAD v4.1: 2 of 1,614,220 alleles (0.00012%); highest among the groups gnomAD compares: Non-Finnish European, 0.00017%; no homozygotes.

Submission:

Labcorp Genetics (formerly Invitae), Labcorp
Classification: Uncertain significance. Last evaluated: 2025-06-19. Review status: criteria provided, single submitter. Criteria: Invitae Variant Classification Sherloc (09022015). Collection method: clinical testing. Allele origin: germline.
Comment: This sequence change replaces glutamic acid, which is acidic and polar, with lysine, which is basic and polar, at codon 914 of the SIN3A protein (p.Glu914Lys). This variant is present in population databases (rs745676137, gnomAD 0.0009%). This variant has not been reported in the literature in individuals affected with SIN3A-related conditions. ClinVar contains an entry for this variant (Variation ID: 2715125). Invitae Evidence Modeling of protein sequence and biophysical properties (such as structural, functional, and spatial information, amino acid conservation, physicochemical variation, residue mobility, and thermodynamic stability) indicates that this missense variant is not expected to disrupt SIN3A protein function with a negative predictive value of 80%. In summary, the available evidence is currently insufficient to determine the role of this variant in disease. Therefore, it has been classified as a Variant of Uncertain Significance.

NM_001145358.2(SIN3A):c.2740G>A (p.Glu914Lys)

Gene: SIN3A (SIN3 transcription regulator family member A; minus strand). Cytogenetic location: 15q24.2.
Variant type: single nucleotide variant.
Coding change: c.2740G>A on transcript NM_001145358.2 (MANE Select); coding-DNA position 2740, G replaced by A.
Protein change: p.Glu914Lys; replaces glutamic acid 914 with lysine.
Molecular consequence: missense variant.
Genome position (GRCh38, 1-based): chr15:75,392,353, C>T on the plus strand (G>A on the coding strand, the complement: SIN3A is on the minus strand). VCF-style: chr15-75392353-C-T. GRCh37 (hg19) VCF-style: chr15-75684694-C-T.
Other names: c.2740G>A, p.Glu914Lys (NM_001145357.2, NM_015477.3); short protein forms E914K.
Identifiers: ClinVar variation 2715125 (VCV002715125.3), dbSNP rs745676137, ClinGen allele CA7667416.